The following is an entry in ClinVar:

NM_004991.4(MECOM):c.1888G>T (p.Ala630Ser)

Gene: MECOM (MDS1 and EVI1 complex locus; minus strand). Cytogenetic location: 3q26.2.
Variant type: single nucleotide variant.
Coding change: c.1888G>T on transcript NM_004991.4 (MANE Select); coding-DNA position 1888, G replaced by T.
Protein change: p.Ala630Ser; replaces alanine 630 with serine.
Molecular consequence: missense variant. On other transcripts: intron variant (2).
Genome position (GRCh38, 1-based): chr3:169,115,984, C>A on the plus strand (G>T on the coding strand, the complement: MECOM is on the minus strand). VCF-style: chr3-169115984-C-A. GRCh37 (hg19) VCF-style: chr3-168833772-C-A.
Other names: c.1519G>T, p.Ala507Ser (NM_001105077.4); c.1324G>T, p.Ala442Ser (NM_001105078.4, NM_001164000.2, NM_001205194.2 and 4 more transcripts); c.1327G>T, p.Ala443Ser (NM_001163999.2, NM_001366467.2, NM_001366468.2 and 1 more transcripts); c.1888G>T, p.Ala630Ser (NM_001366466.2); c.1133-217G>T (NM_001366473.2); c.569-217G>T (NM_001366474.2); short protein forms A630S, A443S, A442S, A507S.
Identifiers: ClinVar variation 3871801 (VCV003871801.1).

ClinVar aggregate classification (germline): Uncertain significance (1 of 4 stars; one submission).

Conditions:
Inborn genetic diseases. Identifiers: MedGen C0950123, MeSH D030342.

Submission:

Ambry Genetics
Classification: Uncertain significance for Inborn genetic diseases. Last evaluated: 2025-02-06. Review status: criteria provided, single submitter. Criteria: Ambry Variant Classification Scheme 2023. Collection method: clinical testing. Allele origin: germline.
Comment: The p.A630S variant (also known as c.1888G>T), located in coding exon 8 of the MECOM gene, results from a G to T substitution at nucleotide position 1888. The alanine at codon 630 is replaced by serine, an amino acid with similar properties. This amino acid position is conserved. In addition, this alteration is predicted to be tolerated by in silico analysis. Based on the available evidence, the clinical significance of this variant remains unclear.